The following is an entry in ClinVar:

ClinVar aggregate classification (germline): Likely benign (1 of 4 stars; one submission).

Submission:

GeneDx
Classification: Likely benign. Last evaluated: 2016-11-17. Review status: criteria provided, single submitter. Criteria: GeneDx Variant Classification (06012015). Collection method: clinical testing. Allele origin: germline. Affected: yes.
Comment: This variant is considered likely benign or benign based on one or more of the following criteria: it is a conservative change, it occurs at a poorly conserved position in the protein, it is predicted to be benign by multiple in silico algorithms, and/or has population frequency not consistent with disease.

NM_017617.5(NOTCH1):c.7269A>C (p.Ser2423=)

Gene: NOTCH1 (notch receptor 1; minus strand). Cytogenetic location: 9q34.3.
Variant type: single nucleotide variant.
Coding change: c.7269A>C on transcript NM_017617.5 (MANE Select); coding-DNA position 7269, A replaced by C.
Protein change: p.Ser2423=; no amino-acid change (serine 2423 retained).
Molecular consequence: synonymous variant.
Genome position (GRCh38, 1-based): chr9:136,496,470, T>G on the plus strand (A>C on the coding strand, the complement: NOTCH1 is on the minus strand). VCF-style: chr9-136496470-T-G. GRCh37 (hg19) VCF-style: chr9-139390922-T-G.
Other names: c.7269A>C, p.Ser2423= (LRG_1122t1).
Identifiers: ClinVar variation 390957 (VCV000390957.1), dbSNP rs1057523931, ClinGen allele CA16606440.